The following is an entry in ClinVar:

ClinVar aggregate classification (germline): Benign. Review status: criteria provided, multiple submitters, no conflicts (2 of 4 stars). 5 submissions from 5 submitters: Benign (5). Last evaluated 2026-01-26.

Conditions:
Anemia, congenital dyserythropoietic, type 1a (CDAN1A). Also called: CDAN1-Related Congenital Dyserythropoietic Anemia; DYSERYTHROPOIETIC ANEMIA, CONGENITAL, TYPE Ia. Identifiers: MedGen C5574667, MONDO:0009135, OMIM 224120.
Congenital dyserythropoietic anemia, type I. Also called: Dyserythropoietic anemia, congenital type 1. Identifiers: Orphanet 98869, MedGen C0271933, MONDO:0020337. Disease mechanism: loss of function.

Allele frequency attached by ClinVar (database versions not stated): gnomAD exomes 0.00113 and 0.00276; ExAC 0.00348; gnomAD 0.01077 and 0.01142; TOPMed 0.01178; ESP Exome Variant Server 0.01184; 1000 Genomes Project 0.01358; 1000 Genomes Project 30x 0.01359.
gnomAD v4.1: 3,386 of 1,614,140 alleles (0.21%); highest among the groups gnomAD compares: African/African-American, 3.8%; 54 homozygotes.

Submissions (10):

Labcorp Genetics (formerly Invitae), Labcorp
Classification: Benign. Last evaluated: 2026-01-26. Review status: criteria provided, single submitter. Criteria: Invitae Variant Classification Sherloc (09022015). Collection method: clinical testing. Allele origin: germline.

ARUP Laboratories, Molecular Genetics and Genomics, ARUP Laboratories
Classification: Benign for Anemia, congenital dyserythropoietic, type 1a. Last evaluated: 2024-10-24. Review status: criteria provided, single submitter. Criteria: ARUP Molecular Germline Variant Investigation Process 2024. Collection method: clinical testing. Allele origin: germline.

Mayo Clinic Laboratories, Mayo Clinic
Classification: Benign. Last evaluated: 2022-05-16. Review status: criteria provided, single submitter. Criteria: ACMG Guidelines, 2015. Collection method: clinical testing. Allele origin: germline. Observed: 31 variant alleles.
Comment: BS1, BS2

Illumina Laboratory Services, Illumina
Classification: Benign for Anemia, congenital dyserythropoietic, type 1a. Last evaluated: 2018-01-13. Review status: criteria provided, single submitter. Criteria: ICSL Variant Classification Criteria 13 December 2019. Collection method: clinical testing. Allele origin: germline.
Comment: This variant was observed in the ICSL laboratory as part of a predisposition screen in an ostensibly healthy population. It had not been previously curated by ICSL or reported in the Human Gene Mutation Database (HGMD: prior to June 1st, 2018), and was therefore a candidate for classification through an automated scoring system. Utilizing variant allele frequency, disease prevalence and penetrance estimates, and inheritance mode, an automated score was calculated to assess if this variant is too frequent to cause the disease. Based on the score and internal cut-off values, a variant classified as benign is not then subjected to further curation. The score for this variant resulted in a classification of benign for this disease.

Breakthrough Genomics
Classification: Benign. Review status: criteria provided, single submitter. Criteria: ACMG Guidelines, 2015. Collection method: not provided. Allele origin: germline. Inheritance: Autosomal recessive inheritance. Affected: yes.

Dr. Peter K. Rogan Lab, Western University
No classification provided (evidence only). Condition: Lung cancer. Review status: no classification provided. Collection method: in vitro. Allele origin: not applicable. Functional consequence: retained intron. Not counted in ClinVar's aggregate classification.

Dr. Peter K. Rogan Lab, Western University
No classification provided (evidence only). Condition: Acute myeloid leukemia. Review status: no classification provided. Collection method: in vitro. Allele origin: not applicable. Functional consequence: retained intron. Not counted in ClinVar's aggregate classification.

Dr. Peter K. Rogan Lab, Western University
No classification provided (evidence only). Condition: Thyroid cancer, nonmedullary, 1. Review status: no classification provided. Collection method: in vitro. Allele origin: not applicable. Functional consequence: retained intron. Not counted in ClinVar's aggregate classification.

Dr. Peter K. Rogan Lab, Western University
No classification provided (evidence only). Condition: Uterine corpus endometrial carcinoma. Review status: no classification provided. Collection method: in vitro. Allele origin: not applicable. Functional consequence: retained intron. Not counted in ClinVar's aggregate classification.

Dr. Peter K. Rogan Lab, Western University
No classification provided (evidence only). Condition: Gastric cancer. Review status: no classification provided. Collection method: in vitro. Allele origin: not applicable. Functional consequence: retained intron. Not counted in ClinVar's aggregate classification.

NM_138477.4(CDAN1):c.2445C>T (p.Gly815=)

Gene: CDAN1 (codanin 1; minus strand). Cytogenetic location: 15q15.2.
Variant type: single nucleotide variant.
Coding change: c.2445C>T on transcript NM_138477.4 (MANE Select); coding-DNA position 2445, C replaced by T.
Protein change: p.Gly815=; no amino-acid change (glycine 815 retained).
Molecular consequence: synonymous variant.
Genome position (GRCh38, 1-based): chr15:42,729,325, G>A on the plus strand (C>T on the coding strand, the complement: CDAN1 is on the minus strand). VCF-style: chr15-42729325-G-A. GRCh37 (hg19) VCF-style: chr15-43021523-G-A.
Other names: p.Gly815=; c.2445C>T, p.Gly815= (LRG_1164t1).
Identifiers: ClinVar variation 315933 (VCV000315933.26), dbSNP rs114208791, ClinGen allele CA7515645.